The following is an entry in ClinVar:

ClinVar aggregate classification (germline): Uncertain significance. Review status: criteria provided, multiple submitters, no conflicts (2 of 4 stars). 2 submissions from 2 submitters: Uncertain significance (2). Last evaluated 2024-11-11.

Submissions (2):

Labcorp Genetics (formerly Invitae), Labcorp
Classification: Uncertain significance. Last evaluated: 2024-11-11. Review status: criteria provided, single submitter. Criteria: Invitae Variant Classification Sherloc (09022015). Collection method: clinical testing. Allele origin: germline.
Comment: This variant, c.3376_3378del, results in the deletion of 1 amino acid(s) of the ABCC2 protein (p.Ile1126del), but otherwise preserves the integrity of the reading frame. This variant is present in population databases (rs763259031, gnomAD 0.01%). This variant has not been reported in the literature in individuals affected with ABCC2-related conditions. Experimental studies and prediction algorithms are not available or were not evaluated, and the functional significance of this variant is currently unknown. In summary, the available evidence is currently insufficient to determine the role of this variant in disease. Therefore, it has been classified as a Variant of Uncertain Significance.

Eurofins Ntd Llc (ga)
Classification: Uncertain significance. Last evaluated: 2018-07-12. Review status: criteria provided, single submitter. Criteria: EGL ClinVar v180209 classification definitions. Collection method: clinical testing. Allele origin: germline. Observed: 1 variant allele, 1 heterozygote.

NM_000392.5(ABCC2):c.3373ATC[1] (p.Ile1126del)

Genes: ABCC2 (ATP binding cassette subfamily C member 2; plus strand), LOC126861013 (CDK7 strongly-dependent group 2 enhancer GRCh37_chr10:101593724-101594923; plus strand). Cytogenetic location: 10q24.2.
Variant type: Microsatellite.
Coding change: c.3373ATC[1] on transcript NM_000392.5 (MANE Select); one copy of the 3-base unit ATC starting at c.3373; the reference has two copies in a row; one copy, 3 bases deleted.
Protein change: p.Ile1126del; deletes isoleucine 1126.
Molecular consequence: inframe deletion.
Genome position (GRCh38, 1-based): chr10:99,834,497-99,834,499, ATC deleted; deleting any 3 consecutive bases within chr10:99,834,493-99,834,499 gives the same sequence; the position shown is the placement nearest the transcript's 3' end. VCF-style (leftmost placement, unchanged base first): chr10-99834492-CCAT-C. GRCh37 (hg19) VCF-style: chr10-101594249-CCAT-C.
Other names: short protein forms I1126del.
Identifiers: ClinVar variation 597901 (VCV000597901.7), dbSNP rs763259031, ClinGen allele CA5643780.